The following is an entry in ClinVar:

ClinVar aggregate classification (germline): Conflicting classifications of pathogenicity. Review status: criteria provided, conflicting classifications (1 of 4 stars). 2 submissions from 2 submitters: Uncertain significance (1); Likely benign (1). Last evaluated 2026-07-20.

Conditions:
KIDINS220-related disorder. Also called: KIDINS220-related condition.
Inborn genetic diseases. Identifiers: MedGen C0950123, MeSH D030342.

Allele frequency attached by ClinVar (database versions not stated): ExAC 0.00002; TOPMed 0.00004; gnomAD 0.00005; gnomAD exomes 0.00007; ESP Exome Variant Server 0.00008.
gnomAD v4.1: 104 of 1,614,014 alleles (0.0064%); highest among the groups gnomAD compares: Non-Finnish European, 0.0085%; no homozygotes.

Submissions (2):

PreventionGenetics, part of Exact Sciences
Classification: Uncertain significance for KIDINS220-related condition. Last evaluated: 2026-07-20. Review status: criteria provided, single submitter. Criteria: ACMG Guidelines, 2015. Collection method: clinical testing. Allele origin: germline.
Comment: The KIDINS220 c.4262G>A variant is predicted to result in the amino acid substitution p.Ser1421Asn. To our knowledge, this variant has not been reported in the literature. This variant is reported in 0.011% of alleles in individuals of European (Non-Finnish) descent in gnomAD. At this time, the clinical significance of this variant is uncertain due to the absence of conclusive functional and genetic evidence.

Ambry Genetics
Classification: Likely benign for Inborn genetic diseases. Last evaluated: 2021-06-18. Review status: criteria provided, single submitter. Criteria: Ambry Variant Classification Scheme 2023. Collection method: clinical testing. Allele origin: germline.

NM_020738.4(KIDINS220):c.4262G>A (p.Ser1421Asn)

Gene: KIDINS220 (kinase D interacting substrate 220; minus strand). Cytogenetic location: 2p25.1.
Variant type: single nucleotide variant.
Coding change: c.4262G>A on transcript NM_020738.4 (MANE Select); coding-DNA position 4262, G replaced by A.
Protein change: p.Ser1421Asn; replaces serine 1421 with asparagine.
Molecular consequence: missense variant. On other transcripts: intron variant (6).
Genome position (GRCh38, 1-based): chr2:8,731,774, C>T on the plus strand (G>A on the coding strand, the complement: KIDINS220 is on the minus strand). VCF-style: chr2-8731774-C-T. GRCh37 (hg19) VCF-style: chr2-8871904-C-T.
Other names: c.3885+1670G>A (NM_001348739.2, NM_001348740.2); c.3882+1670G>A (NM_001348742.2, NM_001348743.2, NM_001348741.2); c.4265G>A, p.Ser1422Asn (NM_001348729.2); c.4208G>A, p.Ser1403Asn (NM_001348731.2); c.4205G>A, p.Ser1402Asn (NM_001348732.2); c.4094G>A, p.Ser1365Asn (NM_001348734.2); c.4091G>A, p.Ser1364Asn (NM_001348735.2); c.3965G>A, p.Ser1322Asn (NM_001348736.2); and 1 more; short protein forms S1364N, S1322N, S1421N, S1402N, S1403N, S1365N, S1422N.
Identifiers: ClinVar variation 2211190 (VCV002211190.5), dbSNP rs369897192, ClinGen allele CA1519394.